The following is an entry in ClinVar:

NM_001371986.1(UNC80):c.8006+8T>C

Gene: UNC80 (unc-80 subunit of NALCN channel complex; plus strand). Cytogenetic location: 2q34.
Variant type: single nucleotide variant.
Coding change: c.8006+8T>C on transcript NM_001371986.1 (MANE Select); 8 bases into the intron after coding-DNA position 8006, T replaced by C.
Molecular consequence: intron variant.
Genome position (GRCh38, 1-based): chr2:209,967,645, T>C. VCF-style: chr2-209967645-T-C. GRCh37 (hg19) VCF-style: chr2-210832369-T-C.
Other names: c.7808+8T>C (NM_032504.2, NM_032504.1); c.7793+8T>C (NM_182587.4).
Identifiers: ClinVar variation 1585883 (VCV001585883.11), dbSNP rs201106234, ClinGen allele CA2083517.

ClinVar aggregate classification (germline): Likely benign. Review status: criteria provided, single submitter (1 of 4 stars). 2 submissions from 2 submitters: Likely benign (1). 1 of the submissions does not count toward it. Last evaluated 2025-08-30.

Conditions:
UNC80-related disorder. Also called: UNC80-related condition.

Allele frequency attached by ClinVar (database versions not stated): gnomAD 0.00002 and 0.00003; TOPMed 0.00004; ExAC 0.00005.
gnomAD v4.1: 77 of 1,550,732 alleles (0.005%); highest among the groups gnomAD compares: Non-Finnish European, 0.0058%; 1 homozygote.

Submissions (2):

Labcorp Genetics (formerly Invitae), Labcorp
Classification: Likely benign. Last evaluated: 2025-08-30. Review status: criteria provided, single submitter. Criteria: Invitae Variant Classification Sherloc (09022015). Collection method: clinical testing. Allele origin: germline.

PreventionGenetics, part of Exact Sciences
Classification: Likely benign for UNC80-related condition. Last evaluated: 2022-07-08. Review status: no assertion criteria provided. Collection method: clinical testing. Allele origin: germline. Not counted in ClinVar's aggregate classification.
Comment: This variant is classified as likely benign based on ACMG/AMP sequence variant interpretation guidelines (Richards et al. 2015 PMID: 25741868, with internal and published modifications).